The following is an entry in ClinVar:

NM_000419.5(ITGA2B):c.2045T>A (p.Val682Glu)

Gene: ITGA2B (integrin subunit alpha 2b; minus strand). Cytogenetic location: 17q21.31.
Variant type: single nucleotide variant.
Coding change: c.2045T>A on transcript NM_000419.5 (MANE Select); coding-DNA position 2045, T replaced by A.
Protein change: p.Val682Glu; replaces valine 682 with glutamic acid.
Molecular consequence: missense variant.
Genome position (GRCh38, 1-based): chr17:44,378,411, A>T on the plus strand (T>A on the coding strand, the complement: ITGA2B is on the minus strand). VCF-style: chr17-44378411-A-T. GRCh37 (hg19) VCF-style: chr17-42455779-A-T.
Other names: short protein forms V682E.
Identifiers: ClinVar variation 2877968 (VCV002877968.3), dbSNP rs2510077389, ClinGen allele CA399799897.

ClinVar aggregate classification (germline): Uncertain significance (1 of 4 stars; one submission).

Conditions:
Glanzmann thrombasthenia. Also called: BLEEDING DISORDER, PLATELET-TYPE, 2; THROMBASTHENIA OF GLANZMANN AND NAEGELI; PLATELET GLYCOPROTEIN IIb-IIIa DEFICIENCY; Thrombasthenia; Glanzmann's thrombasthenia. Identifiers: Orphanet 849, MedGen C0040015, MONDO:0100326.

Submission:

Labcorp Genetics (formerly Invitae), Labcorp
Classification: Uncertain significance for Glanzmann thrombasthenia. Last evaluated: 2023-05-23. Review status: criteria provided, single submitter. Criteria: Invitae Variant Classification Sherloc (09022015). Collection method: clinical testing. Allele origin: germline.
Comment: Advanced modeling of protein sequence and biophysical properties (such as structural, functional, and spatial information, amino acid conservation, physicochemical variation, residue mobility, and thermodynamic stability) performed at Invitae indicates that this missense variant is expected to disrupt ITGA2B protein function. This variant has not been reported in the literature in individuals affected with ITGA2B-related conditions. This variant is not present in population databases (gnomAD no frequency). This sequence change replaces valine, which is neutral and non-polar, with glutamic acid, which is acidic and polar, at codon 682 of the ITGA2B protein (p.Val682Glu). In summary, the available evidence is currently insufficient to determine the role of this variant in disease. Therefore, it has been classified as a Variant of Uncertain Significance.